The following is an entry in ClinVar:

NC_000009.11:g.(?_6605629)_(6645304_?)del

Gene: GLDC (glycine decarboxylase; minus strand). Cytogenetic location: 9p24.1.
Variant type: Deletion.
Identifiers: ClinVar variation 3245163 (VCV003245163.1).

ClinVar aggregate classification (germline): Pathogenic (1 of 4 stars; one submission).

Conditions:
Glycine encephalopathy. Also called: Nonketotic hyperglycinemia; Non-ketotic hyperglycinemia. Identifiers: Orphanet 407, MedGen C0751748, MONDO:0011612, HP:0008288.

Submission:

Labcorp Genetics (formerly Invitae), Labcorp
Classification: Pathogenic for Glycine encephalopathy. Last evaluated: 2023-07-25. Review status: criteria provided, single submitter. Criteria: Invitae Variant Classification Sherloc (09022015). Collection method: clinical testing. Allele origin: unknown.
Comment: For these reasons, this variant has been classified as Pathogenic. This variant disrupts a region of the GLDC protein in which other variant(s) (p.Ala202Val) have been determined to be pathogenic (PMID: 21411353, 25231368). This suggests that this is a clinically significant region of the protein, and that variants that disrupt it are likely to be disease-causing. This variant has not been reported in the literature in individuals affected with GLDC-related conditions. This variant results in the deletion of exons 2-5 and part of exon 1 (c.196_714-351del) of the GLDC gene. It is expected to disrupt RNA splicing. Variants that disrupt the donor or acceptor splice site typically lead to a loss of protein function (PMID: 16199547), and loss-of-function variants in GLDC are known to be pathogenic (PMID: 16601880).

Literature cited by the submitters: PubMed 21411353; PubMed 25231368; PubMed 16199547; PubMed 16601880.